The following is an entry in ClinVar:

NM_001384474.1(LOXHD1):c.6572A>G (p.Lys2191Arg)

Gene: LOXHD1 (lipoxygenase homology PLAT domains 1; minus strand). Cytogenetic location: 18q21.1.
Variant type: single nucleotide variant.
Coding change: c.6572A>G on transcript NM_001384474.1 (MANE Select); coding-DNA position 6572, A replaced by G.
Protein change: p.Lys2191Arg; replaces lysine 2191 with arginine.
Molecular consequence: missense variant.
Genome position (GRCh38, 1-based): chr18:46,477,722, T>C on the plus strand (A>G on the coding strand, the complement: LOXHD1 is on the minus strand). VCF-style: chr18-46477722-T-C. GRCh37 (hg19) VCF-style: chr18-44057685-T-C.
Other names: c.3239A>G, p.Lys1080Arg (NM_001145472.3); c.1289A>G, p.Lys430Arg (NM_001145473.3, NM_001173129.2); c.2951A>G, p.Lys984Arg (NM_001308013.2); c.6386A>G, p.Lys2129Arg (NM_144612.7); short protein forms K1080R, K2129R, K430R, K984R, K2191R.
Identifiers: ClinVar variation 667259 (VCV000667259.8), dbSNP rs1410560877, ClinGen allele CA402362645.

ClinVar aggregate classification (germline): Uncertain significance. Review status: criteria provided, multiple submitters, no conflicts (2 of 4 stars). 5 submissions from 5 submitters: Uncertain significance (5). Last evaluated 2025-08-13.

Conditions:
LOXHD1-related disorder. Also called: LOXHD1-related condition.
Inborn genetic diseases. Identifiers: MedGen C0950123, MeSH D030342.

Allele frequency attached by ClinVar (database versions not stated): gnomAD exomes below 0.00001 and 0.00001; gnomAD 0.00001; TOPMed 0.00001.
gnomAD v4.1: 4 of 1,551,820 alleles (0.00026%); highest among the groups gnomAD compares: Admixed American, 0.0078%; no homozygotes.

Submissions (5):

GeneDx
Classification: Uncertain significance. Last evaluated: 2025-08-13. Review status: criteria provided, single submitter. Criteria: GeneDx Variant Classification Process June 2021. Collection method: clinical testing. Allele origin: germline. Affected: yes.
Comment: Not observed at significant frequency in large population cohorts (gnomAD); In silico analysis suggests that this missense variant does not alter protein structure/function; Has not been previously published as pathogenic or benign to our knowledge

PreventionGenetics, part of Exact Sciences
Classification: Uncertain significance for LOXHD1-related condition. Last evaluated: 2025-06-02. Review status: criteria provided, single submitter. Criteria: ACMG Guidelines, 2015. Collection method: clinical testing. Allele origin: germline.
Comment: The LOXHD1 c.6386A>G variant is predicted to result in the amino acid substitution p.Lys2129Arg. To our knowledge, this variant has not been reported in the literature. This variant is reported in 0.0040% of alleles in individuals of Latino descent in gnomAD. At this time, the clinical significance of this variant is uncertain due to the absence of conclusive functional and genetic evidence.

Ambry Genetics
Classification: Uncertain significance for Inborn genetic diseases. Last evaluated: 2024-12-23. Review status: criteria provided, single submitter. Criteria: Ambry Variant Classification Scheme 2023. Collection method: clinical testing. Allele origin: germline.

Blueprint Genetics
Classification: Uncertain significance. Last evaluated: 2020-12-22. Review status: criteria provided, single submitter. Criteria: ACMG Guidelines, 2015. Collection method: clinical testing. Allele origin: germline.

Laboratory for Molecular Medicine, Mass General Brigham Personalized Medicine
Classification: Uncertain significance. Last evaluated: 2018-03-21. Review status: criteria provided, single submitter. Criteria: LMM Criteria. Collection method: clinical testing. Allele origin: germline. Observed: 2 variant alleles.
Comment: Variant classified as Uncertain Significance - Favor Benign. The p.Lys2129Arg va riant in LOXHD1 has not been previously reported in individuals with hearing los s, but has been identified in 1/23956 of Latino chromosomes by the Genome Aggreg ation Database (gnomAD). Although this variant has been seen in the general population, its frequency is not high enough to ru le out a pathogenic role. The Lysine (Lys) at position 2129 is not conserved in mammals or evolutionary distant species, with 1 mammal and >10 other species hav ing an arginine (Arg) at this position, raising the possibility that a change at this position may be tolerated. Additional computational prediction tools sugge st that the p.Lys2129Arg variant may not impact the protein, though this informa tion is not predictive enough to rule out pathogenicity. In summary, while the c linical significance of the p.Lys2129Arg variant is uncertain, the conservation and computational data suggest that it is more likely to be benign. ACMG/AMP Cri teria applied: PM2; BP4.